The following is an entry in ClinVar:

ClinVar aggregate classification (germline): Uncertain significance (1 of 4 stars; one submission).

gnomAD v4.1: 1 of 1,612,966 alleles (0.000062%); highest among the groups gnomAD compares: Non-Finnish European, 0.000085%; no homozygotes.

Submission:

Women's Health and Genetics/Laboratory Corporation of America, LabCorp
Classification: Uncertain significance. Last evaluated: 2026-03-19. Review status: criteria provided, single submitter. Criteria: LabCorp Variant Classification Summary - May 2015. Collection method: clinical testing. Allele origin: germline.
Comment: Variant summary: GABBR1 c.1235T>C (p.Val412Ala) results in a non-conservative amino acid change in the encoded protein sequence. Algorithms developed to predict the effect of missense changes on protein structure and function are either unavailable or do not agree on the potential impact of this missense change. The variant was absent in 246820 control chromosomes. The available data on variant occurrences in the general population are insufficient to allow any conclusion about variant significance. To our knowledge, no occurrence of c.1235T>C in individuals affected with GABBR1-related conditions and no experimental evidence demonstrating its impact on protein function have been reported. No submitters have cited clinical-significance assessments for this variant to ClinVar. Based on the evidence outlined above, the variant was classified as uncertain significance.

NM_001470.4(GABBR1):c.1235T>C (p.Val412Ala)

Gene: GABBR1 (gamma-aminobutyric acid type B receptor subunit 1; minus strand). Cytogenetic location: 6p22.1.
Variant type: single nucleotide variant.
Coding change: c.1235T>C on transcript NM_001470.4 (MANE Select); coding-DNA position 1235, T replaced by C.
Protein change: p.Val412Ala; replaces valine 412 with alanine.
Molecular consequence: missense variant.
Genome position (GRCh38, 1-based): chr6:29,621,189, A>G on the plus strand (T>C on the coding strand, the complement: GABBR1 is on the minus strand). VCF-style: chr6-29621189-A-G. GRCh37 (hg19) VCF-style: chr6-29588966-A-G.
Other names: c.704T>C, p.Val235Ala (NM_001319053.2); c.884T>C, p.Val295Ala (NM_021903.3); c.1049T>C, p.Val350Ala (NM_021904.4); short protein forms V235A, V295A, V350A, V412A.
Identifiers: ClinVar variation 4847083 (VCV004847083.1).